The following is an entry in ClinVar:

NM_016008.4(DYNC2LI1):c.284A>C (p.Asp95Ala)

Gene: DYNC2LI1 (dynein cytoplasmic 2 light intermediate chain 1; plus strand). Cytogenetic location: 2p21.
Variant type: single nucleotide variant.
Coding change: c.284A>C on transcript NM_016008.4 (MANE Select); coding-DNA position 284, A replaced by C.
Protein change: p.Asp95Ala; replaces aspartic acid 95 with alanine.
Molecular consequence: missense variant.
Genome position (GRCh38, 1-based): chr2:43,789,685, A>C. VCF-style: chr2-43789685-A-C. GRCh37 (hg19) VCF-style: chr2-44016824-A-C.
Other names: c.284A>C (NM_001193464.1); c.284A>C, p.Asp95Ala (NM_001193464.2, NM_001348912.2, NM_001348913.2 and 1 more transcripts); short protein forms D95A.
Identifiers: ClinVar variation 716068 (VCV000716068.12), dbSNP rs142464485, ClinGen allele CA1635766.

ClinVar aggregate classification (germline): Benign/Likely benign. Review status: criteria provided, multiple submitters, no conflicts (2 of 4 stars). 3 submissions from 3 submitters: Benign (1); Likely benign (1). 1 of the submissions does not count toward it. Last evaluated 2026-01-01.

Conditions:
Inborn genetic diseases. Identifiers: MedGen C0950123, MeSH D030342.
DYNC2LI1-related disorder. Also called: DYNC2LI1-related condition.

Allele frequency attached by ClinVar (database versions not stated): ExAC 0.00101; 1000 Genomes Project 0.00280; 1000 Genomes Project 30x 0.00344; ESP Exome Variant Server 0.00354; gnomAD 0.00368 and 0.00397; TOPMed 0.00397.
gnomAD v4.1: 1,173 of 1,613,924 alleles (0.073%); highest among the groups gnomAD compares: African/African-American, 1.4%; 14 homozygotes.

Submissions (3):

Labcorp Genetics (formerly Invitae), Labcorp
Classification: Benign. Last evaluated: 2026-01-01. Review status: criteria provided, single submitter. Criteria: Invitae Variant Classification Sherloc (09022015). Collection method: clinical testing. Allele origin: germline.

Ambry Genetics
Classification: Likely benign for Inborn genetic diseases. Last evaluated: 2021-11-12. Review status: criteria provided, single submitter. Criteria: Ambry Variant Classification Scheme 2023. Collection method: clinical testing. Allele origin: germline.

PreventionGenetics, part of Exact Sciences
Classification: Benign for DYNC2LI1-related condition. Last evaluated: 2024-08-24. Review status: no assertion criteria provided. Collection method: clinical testing. Allele origin: germline. Not counted in ClinVar's aggregate classification.
Comment: This variant is classified as benign based on ACMG/AMP sequence variant interpretation guidelines (Richards et al. 2015 PMID: 25741868, with internal and published modifications).